The following is an entry in ClinVar:

ClinVar aggregate classification (germline): Uncertain significance (1 of 4 stars; one submission).

Conditions:
Inborn genetic diseases. Identifiers: MedGen C0950123, MeSH D030342.

Submission:

Ambry Genetics
Classification: Uncertain significance for Inborn genetic diseases. Last evaluated: 2024-03-20. Review status: criteria provided, single submitter. Criteria: Ambry Variant Classification Scheme 2023. Collection method: clinical testing. Allele origin: germline.
Comment: The p.A879T variant (also known as c.2635G>A), located in coding exon 13 of the ATR gene, results from a G to A substitution at nucleotide position 2635. The alanine at codon 879 is replaced by threonine, an amino acid with similar properties. This amino acid position is conserved. In addition, the in silico prediction for this alteration is inconclusive. Based on the available evidence, the clinical significance of this alteration remains unclear.

NM_001184.4(ATR):c.2635G>A (p.Ala879Thr)

Gene: ATR (ATR serine/threonine kinase; minus strand). Cytogenetic location: 3q23.
Variant type: single nucleotide variant.
Coding change: c.2635G>A on transcript NM_001184.4 (MANE Select); coding-DNA position 2635, G replaced by A.
Protein change: p.Ala879Thr; replaces alanine 879 with threonine.
Molecular consequence: missense variant.
Genome position (GRCh38, 1-based): chr3:142,553,397, C>T on the plus strand (G>A on the coding strand, the complement: ATR is on the minus strand). VCF-style: chr3-142553397-C-T. GRCh37 (hg19) VCF-style: chr3-142272239-C-T.
Other names: c.2443G>A, p.Ala815Thr (NM_001354579.2); short protein forms A879T, A815T.
Identifiers: ClinVar variation 3331291 (VCV003331291.1).